The following is an entry in ClinVar:

NM_018489.3(ASH1L):c.190G>A (p.Asp64Asn)

Gene: ASH1L (ASH1 like histone lysine methyltransferase; minus strand). Cytogenetic location: 1q22.
Variant type: single nucleotide variant.
Coding change: c.190G>A on transcript NM_018489.3 (MANE Select); coding-DNA position 190, G replaced by A.
Protein change: p.Asp64Asn; replaces aspartic acid 64 with asparagine.
Molecular consequence: missense variant.
Genome position (GRCh38, 1-based): chr1:155,521,330, C>T on the plus strand (G>A on the coding strand, the complement: ASH1L is on the minus strand). VCF-style: chr1-155521330-C-T. GRCh37 (hg19) VCF-style: chr1-155491121-C-T.
Other names: c.190G>A, p.Asp64Asn (NM_001366177.2); short protein forms D64N.
Identifiers: ClinVar variation 3901696 (VCV003901696.1).
Genomic context (GRCh38, chr1:155,521,330, plus strand): 5'-TTCCCTCTGAAAAGTTTGTTTCTTTCACTGAAAACTGTTGCTGTGCATCAGTCAAACCAT[C>T]ATCTTTCCCAGCTTCGATGTTTCTTTCTCGATTCCGTTTGCGAAGGTCCTCTTCCTCCTT-3'
Protein context (NP_060959.2, residues 54-74): RERNIEAGKD[Asp64Asn]GLTDAQQQFS

ClinVar aggregate classification (germline): Uncertain significance (1 of 4 stars; one submission).

Submission:

GeneDx
Classification: Uncertain significance. Last evaluated: 2024-12-02. Review status: criteria provided, single submitter. Criteria: GeneDx Variant Classification Process June 2021. Collection method: clinical testing. Allele origin: germline. Affected: yes.
Comment: Not observed at significant frequency in large population cohorts (gnomAD); In silico analysis indicates that this missense variant does not alter protein structure/function; Has not been previously published as pathogenic or benign to our knowledge